The following is an entry in ClinVar:

NC_000023.10:g.(?_82763333)_(82764418_?)del

Gene: POU3F4 (POU class 3 homeobox 4; plus strand). Cytogenetic location: Xq21.1.
Variant type: Deletion.
Identifiers: ClinVar variation 2422849 (VCV002422849.3).

ClinVar aggregate classification (germline): Pathogenic (1 of 4 stars; one submission).

Submission:

Labcorp Genetics (formerly Invitae), Labcorp
Classification: Pathogenic. Last evaluated: 2021-09-08. Review status: criteria provided, single submitter. Criteria: Invitae Variant Classification Sherloc (09022015). Collection method: clinical testing. Allele origin: germline.
Comment: A gross deletion of the genomic region encompassing the full coding sequence of the POU3F4 gene has been identified. Loss-of-function variants in POU3F4 are known to be pathogenic (PMID: 19671658). The boundaries of this event are unknown as they extend beyond the assayed region for this gene and therefore may encompass additional genes. A similar copy number variant has been observed in individual(s) with X-linked POU3F4-related conditions (PMID: 16365218). For these reasons, this variant has been classified as Pathogenic.

Literature cited by the submitters: PubMed 19671658; PubMed 16365218.